The following is an entry in ClinVar:

ClinVar aggregate classification (germline): Likely benign (1 of 4 stars; one submission).

Submission:

CeGaT Center for Human Genetics Tuebingen
Classification: Likely benign. Last evaluated: 2023-01-01. Review status: criteria provided, single submitter. Criteria: CeGaT Center For Human Genetics Tuebingen Variant Classification Criteria Version 2. Collection method: clinical testing. Allele origin: germline. Affected: yes. Observed: 2 variant alleles.
Comment: DPP6: PM2:Supporting, BP4, BP7

NM_130797.4(DPP6):c.627+21039A>G

Gene: DPP6 (dipeptidyl peptidase like 6; plus strand). Cytogenetic location: 7q36.2.
Variant type: single nucleotide variant.
Coding change: c.627+21039A>G on transcript NM_130797.4 (MANE Select); 21039 bases into the intron after coding-DNA position 627, A replaced by G.
Molecular consequence: genic downstream transcript variant. On other transcripts: synonymous variant (1), 3 prime UTR variant (1).
Genome position (GRCh38, 1-based): chr7:154,587,955, A>G. VCF-style: chr7-154587955-A-G. GRCh37 (hg19) VCF-style: chr7-154379665-A-G.
Other names: c.933A>G, p.Ala311= (NM_001290253.2); c.*781A>G (NM_001364502.2); c.444+21039A>G (NM_001364500.2, NM_001364499.2, NM_001364497.2 and 1 more transcripts); c.435+21039A>G (NM_001364501.2, NM_001039350.3); c.441+21039A>G (NM_001936.5, NM_001290252.2).
Identifiers: ClinVar variation 2658257 (VCV002658257.24), dbSNP rs754346998, ClinGen allele CA2695199648.